The following is an entry in ClinVar:

NM_000059.4(BRCA2):c.5396C>T (p.Ala1799Val)

Gene: BRCA2 (BRCA2 DNA repair associated; plus strand). Cytogenetic location: 13q13.1.
Variant type: single nucleotide variant.
Coding change: c.5396C>T on transcript NM_000059.4 (MANE Select); coding-DNA position 5396, C replaced by T.
Protein change: p.Ala1799Val; replaces alanine 1799 with valine.
Molecular consequence: missense variant.
Genome position (GRCh38, 1-based): chr13:32,339,751, C>T. VCF-style: chr13-32339751-C-T. GRCh37 (hg19) VCF-style: chr13-32913888-C-T.
Other names: short protein forms A1799V.
Identifiers: ClinVar variation 220028 (VCV000220028.27), dbSNP rs770450108, ClinGen allele CA350134.

ClinVar aggregate classification (germline): Conflicting classifications of pathogenicity. Review status: criteria provided, conflicting classifications (1 of 4 stars). 7 submissions from 7 submitters: Uncertain significance (6); Likely benign (1). Last evaluated 2026-01-10.

Conditions:
Hereditary cancer-predisposing syndrome. Also called: Tumor predisposition; Hereditary neoplastic syndrome; Neoplastic Syndromes, Hereditary; Hereditary Cancer Syndrome. Identifiers: Orphanet 140162, MedGen C0027672, MeSH D009386, MONDO:0015356.
Hereditary breast ovarian cancer syndrome. Also called: Hereditary breast and ovarian cancer; BRCA1- and BRCA2-Associated Hereditary Breast and Ovarian Cancer; Hereditary breast and/or ovarian cancer syndrome; Hereditary breast and ovarian cancer syndrome; Hereditary breast and ovarian cancer syndrome (HBOC); Breast and ovarian cancer. Identifiers: Orphanet 145, MedGen C0677776, MeSH D061325, MONDO:0003582. Disease mechanism: loss of function.
Breast-ovarian cancer, familial, susceptibility to, 2 (BROVCA2). Also called: BRCA2 Hereditary Breast and Ovarian Cancer. Identifiers: Orphanet 145, MedGen C2675520, MONDO:0012933, OMIM 612555. Disease mechanism: loss of function.

Allele frequency attached by ClinVar (database versions not stated): gnomAD exomes below 0.00001; TOPMed below 0.00001; ExAC 0.00001; gnomAD 0.00001.
gnomAD v4.1: 5 of 1,613,722 alleles (0.00031%); highest among the groups gnomAD compares: Admixed American, 0.0067%; no homozygotes.

Submissions (7):

Labcorp Genetics (formerly Invitae), Labcorp
Classification: Uncertain significance for Hereditary breast ovarian cancer syndrome. Last evaluated: 2026-01-10. Review status: criteria provided, single submitter. Criteria: Invitae Variant Classification Sherloc (09022015). Collection method: clinical testing. Allele origin: germline.
Comment: This sequence change replaces alanine, which is neutral and non-polar, with valine, which is neutral and non-polar, at codon 1799 of the BRCA2 protein (p.Ala1799Val). This variant is present in population databases (rs770450108, gnomAD 0.0009%). This variant has not been reported in the literature in individuals affected with BRCA2-related conditions. ClinVar contains an entry for this variant (Variation ID: 220028). Invitae Evidence Modeling of protein sequence and biophysical properties (such as structural, functional, and spatial information, amino acid conservation, physicochemical variation, residue mobility, and thermodynamic stability) indicates that this missense variant is not expected to disrupt BRCA2 protein function with a negative predictive value of 95%. In summary, the available evidence is currently insufficient to determine the role of this variant in disease. Therefore, it has been classified as a Variant of Uncertain Significance.

Ambry Genetics
Classification: Uncertain significance for Hereditary cancer-predisposing syndrome. Last evaluated: 2025-06-24. Review status: criteria provided, single submitter. Criteria: Ambry Variant Classification Scheme 2023. Collection method: clinical testing. Allele origin: germline.
Comment: The p.A1799V variant (also known as c.5396C>T), located in coding exon 10 of the BRCA2 gene, results from a C to T substitution at nucleotide position 5396. The alanine at codon 1799 is replaced by valine, an amino acid with similar properties. This amino acid position is poorly conserved in available vertebrate species. In addition, this alteration is predicted to be tolerated by in silico analysis. Since supporting evidence is limited at this time, the clinical significance of this alteration remains unclear.

GeneDx
Classification: Uncertain significance. Last evaluated: 2025-04-23. Review status: criteria provided, single submitter. Criteria: GeneDx Variant Classification Process June 2021. Collection method: clinical testing. Allele origin: germline. Affected: yes.
Comment: Observed in at least one individual with advanced cancer, type not specified (PMID: 28873162); Not observed at significant frequency in large population cohorts (gnomAD); In silico analysis indicates that this missense variant does not alter protein structure/function; Also known as 5624C>T; This variant is associated with the following publications: (PMID: 28873162)

Quest Diagnostics Nichols Institute San Juan Capistrano
Classification: Uncertain significance. Last evaluated: 2025-02-22. Review status: criteria provided, single submitter. Criteria: Quest Diagnostics criteria. Collection method: clinical testing. Allele origin: unknown.
Comment: The BRCA2 c.5396C>T (p.Ala1799Val) variant has been reported in the published literature in an individual with triple negative breast cancer (PMID: 37664050 (2023)). This variant has also been reported to be located in a region of the BRCA2 gene that is tolerated to missense sequence changes (PMID: 31911673 (2020)). The frequency of this variant in the general population (Genome Aggregation Database) is uninformative in the assessment of its pathogenicity. Analysis of this variant using bioinformatics tools for the prediction of the effect of amino acid changes on protein structure and function yielded predictions that this variant is benign. Based on the available information, we are unable to determine the clinical significance of this variant.

All of Us Research Program, National Institutes of Health
Classification: Uncertain significance for Breast-ovarian cancer, familial, susceptibility to, 2. Last evaluated: 2023-11-30. Review status: criteria provided, single submitter. Criteria: ACMG Guidelines, 2015. Collection method: clinical testing. Allele origin: germline. Inheritance: Autosomal dominant inheritance. Observed: 1 variant allele, 1 heterozygote.
Comment: This study involves interpretation of variants in research participants for the purpose of population health screening. Participant phenotype was not available at the time of variant classification. Additional details can be found in publication PMID: 35346344, PMCID: PMC8962531

University of Washington Department of Laboratory Medicine, University of Washington
Classification: Likely benign for Hereditary cancer-predisposing syndrome. Last evaluated: 2023-03-23. Review status: criteria provided, single submitter. Criteria: Dines et al. (Genet Med. 2020). Collection method: curation. Allele origin: germline.
Comment: Missense variant in a coldspot region where missense variants are very unlikely to be pathogenic (PMID:31911673).

BRCA2 exon 11 coldspot. Reclassification based on statistical prior probability.

Color Diagnostics, LLC DBA Color Health
Classification: Uncertain significance for Hereditary cancer-predisposing syndrome. Last evaluated: 2023-02-28. Review status: criteria provided, single submitter. Criteria: ACMG Guidelines, 2015. Collection method: clinical testing. Allele origin: germline.
Comment: This missense variant replaces alanine with valine at codon 1799 of the BRCA2 protein. Computational prediction suggests that this variant may not impact protein structure and function (internally defined REVEL score threshold <= 0.5, PMID: 27666373). To our knowledge, functional studies have not been reported for this variant. This variant has not been reported in individuals affected with BRCA2-related disorders in the literature. This variant has been identified in 1/251098 chromosomes in the general population by the Genome Aggregation Database (gnomAD). The available evidence is insufficient to determine the role of this variant in disease conclusively. Therefore, this variant is classified as a Variant of Uncertain Significance.

Literature cited by the submitters: PubMed 31911673 (cited by Quest Diagnostics Nichols Institute San Juan Capistrano); PubMed 31853058 (cited by Quest Diagnostics Nichols Institute San Juan Capistrano); PubMed 37664050 (cited by Quest Diagnostics Nichols Institute San Juan Capistrano).